The following is an entry in ClinVar:

ClinVar aggregate classification (germline): Uncertain significance. Review status: criteria provided, multiple submitters, no conflicts (2 of 4 stars). 2 submissions from 2 submitters: Uncertain significance (2). Last evaluated 2024-11-27.

Conditions:
Proline dehydrogenase deficiency (HYRPRO1). Also called: Hyperprolinemia type 1; PROLINE OXIDASE DEFICIENCY. Identifiers: Orphanet 419, MedGen C0268529, MONDO:0009400, OMIM 239500.
Schizophrenia 4 (SCZD4). Also called: SCHIZOPHRENIA SUSCEPTIBILITY LOCUS, CHROMOSOME 22q11-RELATED; SCHIZOPHRENIA, SUSCEPTIBILITY TO, 4. Identifiers: MedGen C1833247, MONDO:0010943, OMIM 600850.

Allele frequency attached by ClinVar (database versions not stated): ExAC 0.00006.

Submissions (2):

Labcorp Genetics (formerly Invitae), Labcorp
Classification: Uncertain significance for Proline dehydrogenase deficiency. Last evaluated: 2024-11-27. Review status: criteria provided, single submitter. Criteria: Invitae Variant Classification Sherloc (09022015). Collection method: clinical testing. Allele origin: germline.
Comment: This sequence change replaces arginine, which is basic and polar, with cysteine, which is neutral and slightly polar, at codon 598 of the PRODH protein (p.Arg598Cys). This variant is present in population databases (rs755449569, gnomAD 0.008%). This variant has not been reported in the literature in individuals affected with PRODH-related conditions. ClinVar contains an entry for this variant (Variation ID: 2172236). An algorithm developed to predict the effect of missense changes on protein structure and function outputs the following: PolyPhen-2: "Benign". The cysteine amino acid residue is found in multiple mammalian species, which suggests that this missense change does not adversely affect protein function. In summary, the available evidence is currently insufficient to determine the role of this variant in disease. Therefore, it has been classified as a Variant of Uncertain Significance.

Fulgent Genetics
Classification: Uncertain significance for Proline dehydrogenase deficiency; Schizophrenia 4. Last evaluated: 2024-03-16. Review status: criteria provided, single submitter. Criteria: ACMG Guidelines, 2015. Collection method: clinical testing. Allele origin: germline.

NM_016335.6(PRODH):c.1792C>T (p.Arg598Cys)

Gene: PRODH (proline dehydrogenase 1; minus strand). Cytogenetic location: 22q11.21.
Variant type: single nucleotide variant.
Coding change: c.1792C>T on transcript NM_016335.6 (MANE Select); coding-DNA position 1792, C replaced by T.
Protein change: p.Arg598Cys; replaces arginine 598 with cysteine.
Molecular consequence: missense variant.
Genome position (GRCh38, 1-based): chr22:18,913,186, G>A on the plus strand (C>T on the coding strand, the complement: PRODH is on the minus strand). VCF-style: chr22-18913186-G-A. GRCh37 (hg19) VCF-style: chr22-18900699-G-A.
Other names: c.1468C>T, p.Arg490Cys (NM_001195226.2, NM_001368250.2); short protein forms R598C, R490C.
Identifiers: ClinVar variation 2172236 (VCV002172236.4), dbSNP rs755449569, ClinGen allele CA10094831.